The following is an entry in ClinVar:

ClinVar aggregate classification (germline): Pathogenic/Likely pathogenic. Review status: criteria provided, multiple submitters, no conflicts (2 of 4 stars). 7 submissions from 7 submitters: Pathogenic (3); Likely pathogenic (2). 2 of the submissions do not count toward it. Last evaluated 2025-10-02.

Conditions:
Cobalamin C disease. Also called: methylmalonic aciduria and homocystinuria type cblC; Methylmalonic aciduria with homocystinuria cblC type; Cobalamin-C methylmalonic acidemia and homocystinuria; Methylmalonic acidemia and homocystinuria cblC type; Methylmalonic aciduria and homocystinuria, Vitamin B12-responsive; Vitamin B12 metabolic defect with combined deficiency of methylmalonyl-CoA mutase and homocysteine:methyltetrahydrofolate methyltransferase. Identifiers: Orphanet 26, Orphanet 79282, MedGen C1848561, MONDO:0010184, OMIM 277400.

Allele frequency attached by ClinVar (database versions not stated): TOPMed below 0.00001; ExAC 0.00002; gnomAD exomes 0.00003.
gnomAD v4.1: 28 of 1,614,168 alleles (0.0017%); highest among the groups gnomAD compares: South Asian, 0.018%; no homozygotes.

Submissions (7):

Labcorp Genetics (formerly Invitae), Labcorp
Classification: Pathogenic for Cobalamin C disease. Last evaluated: 2025-10-02. Review status: criteria provided, single submitter. Criteria: Invitae Variant Classification Sherloc (09022015). Collection method: clinical testing. Allele origin: germline.
Comment: This sequence change replaces arginine, which is basic and polar, with histidine, which is basic and polar, at codon 189 of the MMACHC protein (p.Arg189His). This variant is present in population databases (rs761221416, gnomAD 0.02%). This missense change has been observed in individual(s) with MMACHC-related conditions (PMID: 26658511, 32164588). In at least one individual the data is consistent with being in trans (on the opposite chromosome) from a pathogenic variant. ClinVar contains an entry for this variant (Variation ID: 417857). Invitae Evidence Modeling of protein sequence and biophysical properties (such as structural, functional, and spatial information, amino acid conservation, physicochemical variation, residue mobility, and thermodynamic stability) has been performed for this missense variant. However, the output from this modeling did not meet the statistical confidence thresholds required to predict the impact of this variant on MMACHC protein function. This variant disrupts the p.Arg189 amino acid residue in MMACHC. Other variant(s) that disrupt this residue have been determined to be pathogenic (PMID: 16311595, 18164228, 18245139, 19760748, 24599607, 29294253). This suggests that this residue is clinically significant, and that variants that disrupt this residue are likely to be disease-causing. For these reasons, this variant has been classified as Pathogenic.

Natera, Inc.
Classification: Pathogenic for Methylmalonic aciduria and homocystinuria cblC type. Last evaluated: 2025-06-11. Review status: criteria provided, single submitter. Criteria: Natera Variant Classification Schema (03/2026). Collection method: clinical testing. Allele origin: germline.
Comment: The c.566G>A variant in MMACHC is a missense variant predicted to cause substitution of arginine to histidine at amino acid 189. This variant is rare in the general population with a frequency below the threshold expected for the associated phenotype(s). This variant has been observed in one or more individuals affected with the associated recessive disease, as either homozygous or compound heterozygous with a second variant (PMID: 35464742, 34389282, 32164588, 26658511). Additionally, this variant has been observed to segregate in affected family members (PMID: 35464742). A different variant at the same position has been determined to be Pathogenic or Likely Pathogenic. Computational prediction algorithms indicate this variant is likely to affect gene or protein function. Given the available evidence, this variant is classified as Pathogenic.

Fulgent Genetics
Classification: Likely pathogenic for Cobalamin C disease. Last evaluated: 2024-04-16. Review status: criteria provided, single submitter. Criteria: ACMG Guidelines, 2015. Collection method: clinical testing. Allele origin: germline.

Women's Health and Genetics/Laboratory Corporation of America, LabCorp
Classification: Pathogenic for Cobalamin C disease. Last evaluated: 2023-03-10. Review status: criteria provided, single submitter. Criteria: LabCorp Variant Classification Summary - May 2015. Collection method: clinical testing. Allele origin: germline.
Comment: Variant summary: MMACHC c.566G>A (p.Arg189His) results in a non-conservative amino acid change in the encoded protein sequence. Five of five in-silico tools predict a damaging effect of the variant on protein function. The variant allele was found at a frequency of 2.8e-05 in 249560 control chromosomes (gnomAD). c.566G>A has been reported in the literature in individuals affected with Cobalamin C Disease (Methylmalonic Aciduria With Homocystinuria) (Ahrens-Nicklas_2018, Philipponnet_2020, Pajares_2021, Wang_2021). These data indicate that the variant is likely to be associated with disease. Other variants at this amino acid residue have been reported in affected individuals (PMIDs: 31279840, 16311595, 29294253) and are cited as pathogenic in ClinVar. A ClinVar submitter (evaluation after 2014) cites the variant as pathogenic and two ClinVar submitters (evaluation after 2014) cite it as uncertain significance. Based on the evidence outlined above, the variant was classified as pathogenic.

Juno Genomics, Hangzhou Juno Genomics, Inc
Classification: Likely pathogenic for Cobalamin C disease. Review status: criteria provided, single submitter. Criteria: ACMG Guidelines, 2015. Collection method: clinical testing. Allele origin: germline.
Comment: Absent from controls (or at extremely low frequency if recessive) in Genome Aggregation Database.;For recessive disorders, detected in trans with a pathogenic variant.;Patient's phenotype or family history is highly specific for a disease with a single genetic etiology.;Novel missense change at an amino acid residue where a different missense change determined to be pathogenic has been seen before.;Multiple lines of computational evidence support a deleterious effect on the gene or gene product.

Counsyl
Classification: Uncertain significance for Cobalamin C disease. Last evaluated: 2017-06-02. Review status: no assertion criteria provided. Collection method: clinical testing. Allele origin: unknown. Not counted in ClinVar's aggregate classification.

Division of Human Genetics, Children's Hospital of Philadelphia
Classification: Uncertain significance for Cobalamin C disease. Last evaluated: 2016-08-15. Review status: flagged submission. Collection method: research. Allele origin: germline. Affected: yes. Study: CSER-PediSeq. Not counted in ClinVar's aggregate classification.
ClinVar note: Reason: Outlier claim with insufficient supporting evidence

Literature cited by the submitters: PubMed 26658511 (cited by 4 submitters); PubMed 32164588 (cited by 3 submitters); PubMed 16311595 (cited by Labcorp Genetics (formerly Invitae), Labcorp); PubMed 18164228 (cited by Labcorp Genetics (formerly Invitae), Labcorp); PubMed 18245139 (cited by Labcorp Genetics (formerly Invitae), Labcorp); PubMed 19760748 (cited by Labcorp Genetics (formerly Invitae), Labcorp); PubMed 24599607 (cited by Labcorp Genetics (formerly Invitae), Labcorp); PubMed 29294253 (cited by Labcorp Genetics (formerly Invitae), Labcorp); PubMed 35464742 (cited by Natera, Inc.); PubMed 34389282 (cited by Natera, Inc. and Women's Health and Genetics/Laboratory Corporation of America, LabCorp); PubMed 28151490 (cited by Women's Health and Genetics/Laboratory Corporation of America, LabCorp); PubMed 33931066 (cited by Women's Health and Genetics/Laboratory Corporation of America, LabCorp).

NM_015506.3(MMACHC):c.566G>A (p.Arg189His)

Gene: MMACHC (metabolism of cobalamin associated C; plus strand). Cytogenetic location: 1p34.1.
Variant type: single nucleotide variant.
Coding change: c.566G>A on transcript NM_015506.3 (MANE Select); coding-DNA position 566, G replaced by A.
Protein change: p.Arg189His; replaces arginine 189 with histidine.
Molecular consequence: missense variant.
Genome position (GRCh38, 1-based): chr1:45,508,932, G>A. VCF-style: chr1-45508932-G-A. GRCh37 (hg19) VCF-style: chr1-45974604-G-A.
Other names: c.395G>A, p.Arg132His (NM_001330540.2); short protein forms R189H, R132H.
Identifiers: ClinVar variation 417857 (VCV000417857.16), dbSNP rs761221416, ClinGen allele CA827793.